The following is an entry in ClinVar:

ClinVar aggregate classification (germline): Pathogenic (1 of 4 stars; one submission).

Conditions:
Glycogen storage disease, type V (GSD5). Also called: MCARDLE DISEASE; MUSCLE GLYCOGEN PHOSPHORYLASE DEFICIENCY; MYOPHOSPHORYLASE DEFICIENCY; PYGM DEFICIENCY; McArdle type glycogen storage disease. Identifiers: Orphanet 368, MedGen C0017924, MONDO:0009293, OMIM 232600.

Submission:

Myriad Genetics, Inc.
Classification: Pathogenic for Glycogen storage disease, type V. Last evaluated: 2024-05-14. Review status: criteria provided, single submitter. Criteria: Myriad Autosomal Dominant, Autosomal Recessive and X-Linked Classification Criteria (2023). Collection method: clinical testing. Allele origin: unknown.
Comment: NM_005609.2(PYGM):c.1043_1057del15ins2(P348Rfs*17) is expected to be pathogenic in the context of glycogen storage disease, PYGM-related. This variant is predicted to lead to an abnormal or absent protein product due to the creation of a premature termination codon in PYGM, a gene where loss-of-function variants are known to be pathogenic. Please note: this variant was assessed in the context of healthy population screening.

NM_005609.4(PYGM):c.1043_1057delinsGT (p.Pro348fs)

Gene: PYGM (glycogen phosphorylase, muscle associated; minus strand). Cytogenetic location: 11q13.1.
Variant type: Indel.
Coding change: c.1043_1057delinsGT on transcript NM_005609.4 (MANE Select); coding-DNA positions 1043 to 1057, CCGAGCTGATGAGGA replaced by GT.
Protein change: p.Pro348fs; shifts the reading frame from proline 348.
Molecular consequence: frameshift variant.
Genome position (GRCh38, 1-based): chr11:64,754,288-64,754,302, TCCTCATCAGCTCGG replaced by AC on the plus strand (CCGAGCTGATGAGGA replaced by GT on the coding strand, the reverse complement: PYGM is on the minus strand). VCF-style: chr11-64754288-TCCTCATCAGCTCGG-AC. GRCh37 (hg19) VCF-style: chr11-64521760-TCCTCATCAGCTCGG-AC.
Other names: c.779_793delinsGT, p.Pro260fs (NM_001164716.1); short protein forms P260fs, P348fs.
Identifiers: ClinVar variation 5010881 (VCV005010881.1).